The following is an entry in ClinVar:

ClinVar aggregate classification (germline): Pathogenic (1 of 4 stars; one submission).

Allele frequency attached by ClinVar (database versions not stated): ExAC 0.00001.

Submission:

Labcorp Genetics (formerly Invitae), Labcorp
Classification: Pathogenic. Last evaluated: 2023-07-19. Review status: criteria provided, single submitter. Criteria: Invitae Variant Classification Sherloc (09022015). Collection method: clinical testing. Allele origin: germline.
Comment: This variant has not been reported in the literature in individuals affected with ABCA3-related conditions. For these reasons, this variant has been classified as Pathogenic. This variant is present in population databases (rs770140490, gnomAD 0.006%). This sequence change creates a premature translational stop signal (p.Tyr293*) in the ABCA3 gene. It is expected to result in an absent or disrupted protein product. Loss-of-function variants in ABCA3 are known to be pathogenic (PMID: 27516224).

Literature cited by the submitters: PubMed 27516224.

NM_001089.3(ABCA3):c.879C>A (p.Tyr293Ter)

Gene: ABCA3 (ATP binding cassette subfamily A member 3; minus strand). Cytogenetic location: 16p13.3.
Variant type: single nucleotide variant.
Coding change: c.879C>A on transcript NM_001089.3 (MANE Select); coding-DNA position 879, C replaced by A.
Protein change: p.Tyr293Ter; replaces tyrosine 293 with a stop codon.
Molecular consequence: nonsense.
Genome position (GRCh38, 1-based): chr16:2,317,759, G>T on the plus strand (C>A on the coding strand, the complement: ABCA3 is on the minus strand). VCF-style: chr16-2317759-G-T. GRCh37 (hg19) VCF-style: chr16-2367760-G-T.
Other names: short protein forms Y293*.
Identifiers: ClinVar variation 2745001 (VCV002745001.3), dbSNP rs770140490, ClinGen allele CA7841461.